The following is an entry in ClinVar:

ClinVar aggregate classification (germline): Uncertain significance (1 of 4 stars; one submission).

Submission:

GeneDx
Classification: Uncertain significance. Last evaluated: 2022-04-25. Review status: criteria provided, single submitter. Criteria: GeneDx Variant Classification Process June 2021. Collection method: clinical testing. Allele origin: germline. Affected: yes.
Comment: Not observed at significant frequency in large population cohorts (gnomAD); In silico analysis supports that this missense variant has a deleterious effect on protein structure/function; Has not been previously published as pathogenic or benign to our knowledge

NM_001242896.3(DEPDC5):c.2561T>C (p.Leu854Pro)

Gene: DEPDC5 (DEP domain containing 5, GATOR1 subcomplex subunit; plus strand). Cytogenetic location: 22q12.3.
Variant type: single nucleotide variant.
Coding change: c.2561T>C on transcript NM_001242896.3 (MANE Select); coding-DNA position 2561, T replaced by C.
Protein change: p.Leu854Pro; replaces leucine 854 with proline.
Molecular consequence: missense variant. On other transcripts: non-coding transcript variant (5).
Genome position (GRCh38, 1-based): chr22:31,843,140, T>C. VCF-style: chr22-31843140-T-C. GRCh37 (hg19) VCF-style: chr22-32239126-T-C.
Other names: c.2534T>C, p.Leu845Pro (NM_001136029.4, NM_001369903.1, NM_014662.6); c.2327T>C, p.Leu776Pro (NM_001242897.2, NM_001363854.2, NM_001364319.2); c.2561T>C, p.Leu854Pro (NM_001363852.2, NM_001364318.2, NM_001364320.2); c.2477T>C, p.Leu826Pro (NM_001369901.1, NM_001369902.1); short protein forms L776P, L826P, L845P, L854P.
Identifiers: ClinVar variation 1712863 (VCV001712863.2), dbSNP rs2520088717, ClinGen allele CA411288582.